The following is an entry in ClinVar:

NM_000238.4(KCNH2):c.-11A>G

Gene: KCNH2 (potassium voltage-gated channel subfamily H member 2; minus strand). Cytogenetic location: 7q36.1.
Variant type: single nucleotide variant.
Coding change: c.-11A>G on transcript NM_000238.4 (MANE Select); 11 bases upstream of the start codon, A replaced by G.
Molecular consequence: 5 prime UTR variant.
Genome position (GRCh38, 1-based): chr7:150,977,924, T>C on the plus strand (A>G on the coding strand, the complement: KCNH2 is on the minus strand). VCF-style: chr7-150977924-T-C. GRCh37 (hg19) VCF-style: chr7-150675012-T-C.
Other names: c.-11A>G (NM_172056.3).
Identifiers: ClinVar variation 919608 (VCV000919608.7), dbSNP rs1802018426, ClinGen allele CA1139660323.
Genomic context (GRCh38, chr7:150,977,924, plus strand): 5'-GTGTCCAGGAAGGTGTTCTGCGGCGCGACGTGGCCCCTCCGCACCGGCATCCTGAGCCCA[T>C]GGGCGGGCCGGGCGGGCCCCCACCCACCCCGGCCCGGCCCGGCCCAGCACTAGGCTTCGG-3'

ClinVar aggregate classification (germline): Uncertain significance (1 of 4 stars; one submission).

Conditions:
Cardiac arrhythmia. Also called: Cardiac rhythm disease; Arrhythmia. Identifiers: MedGen C0003811, MONDO:0007263, HP:0011675.

gnomAD v4.1: 3 of 1,576,560 alleles (0.00019%); highest among the groups gnomAD compares: African/African-American, 0.0028%; no homozygotes.

Submission:

Color Diagnostics, LLC DBA Color Health
Classification: Uncertain significance for Cardiac arrhythmia. Last evaluated: 2025-04-23. Review status: criteria provided, single submitter. Criteria: ACMG Guidelines, 2015. Collection method: clinical testing. Allele origin: germline.
Comment: This variant is located in the 5' untranslated region of the KCNH2 gene. To our knowledge, functional studies have not been reported for this variant nor has this variant been reported in individuals affected with cardiovascular disorders in the literature. This variant has not been identified in the general population by the Genome Aggregation Database (gnomAD). Available evidence is insufficient to determine the role of this variant in disease conclusively. Therefore, this variant is classified as a Variant of Uncertain Significance.